The following is an entry in ClinVar:

ClinVar aggregate classification (germline): Uncertain significance (1 of 4 stars; one submission).

Conditions:
COL4A2-related disorder. Also called: COL4A2-related disorders; COL4A2-related condition.

gnomAD v4.1: 45 of 1,515,648 alleles (0.003%); highest among the groups gnomAD compares: Non-Finnish European, 0.0039%; no homozygotes.

Submission:

PreventionGenetics, part of Exact Sciences
Classification: Uncertain significance for COL4A2-related condition. Last evaluated: 2025-12-26. Review status: criteria provided, single submitter. Criteria: ACMG Guidelines, 2015. Collection method: clinical testing. Allele origin: germline.
Comment: The COL4A2 c.2296C>A variant is predicted to result in the amino acid substitution p.Pro766Thr. To our knowledge, this variant has not been reported in the literature. This variant is reported in 0.0040% of alleles in individuals of European (Non-Finnish) descent in gnomAD. At this time, the clinical significance of this variant is uncertain due to the absence of conclusive functional and genetic evidence.

NM_001846.4(COL4A2):c.2296C>A (p.Pro766Thr)

Gene: COL4A2 (collagen type IV alpha 2 chain; plus strand). Cytogenetic location: 13q34.
Variant type: single nucleotide variant.
Coding change: c.2296C>A on transcript NM_001846.4 (MANE Select); coding-DNA position 2296, C replaced by A.
Protein change: p.Pro766Thr; replaces proline 766 with threonine.
Molecular consequence: missense variant.
Genome position (GRCh38, 1-based): chr13:110,473,021, C>A. VCF-style: chr13-110473021-C-A. GRCh37 (hg19) VCF-style: chr13-111125368-C-A.
Other names: short protein forms P766T.
Identifiers: ClinVar variation 4979243 (VCV004979243.1).